The following is an entry in ClinVar:

NM_001386298.1(CIC):c.6248C>T (p.Pro2083Leu)

Gene: CIC (capicua transcriptional repressor; plus strand). Cytogenetic location: 19q13.2.
Variant type: single nucleotide variant.
Coding change: c.6248C>T on transcript NM_001386298.1 (MANE Select); coding-DNA position 6248, C replaced by T.
Protein change: p.Pro2083Leu; replaces proline 2083 with leucine.
Molecular consequence: missense variant.
Genome position (GRCh38, 1-based): chr19:42,293,007, C>T. VCF-style: chr19-42293007-C-T. GRCh37 (hg19) VCF-style: chr19-42797159-C-T.
Other names: c.6248C>T, p.Pro2083Leu (NM_001304815.2, NM_001379482.1); c.6245C>T, p.Pro2082Leu (NM_001379480.1); c.3521C>T, p.Pro1174Leu (NM_001379484.1, NM_001379485.1, NM_015125.5); short protein forms P1174L, P2083L, P2082L.
Identifiers: ClinVar variation 726108 (VCV000726108.4), dbSNP rs189391255, ClinGen allele CA9472664.

ClinVar aggregate classification (germline): Likely benign. Review status: criteria provided, multiple submitters, no conflicts (2 of 4 stars). 2 submissions from 2 submitters: Likely benign (2). Last evaluated 2026-06-11.

Conditions:
CIC-related disorder. Also called: CIC-related condition.

Allele frequency attached by ClinVar (database versions not stated): gnomAD exomes 0.00019; ExAC 0.00020; ESP Exome Variant Server 0.00039; gnomAD 0.00054 and 0.00055; TOPMed 0.00063; 1000 Genomes Project 0.00080; 1000 Genomes Project 30x 0.00094.
gnomAD v4.1: 300 of 1,613,522 alleles (0.019%); highest among the groups gnomAD compares: Middle Eastern, 0.71%; 3 homozygotes.

Submissions (2):

PreventionGenetics, part of Exact Sciences
Classification: Likely benign for CIC-related condition. Last evaluated: 2026-06-11. Review status: criteria provided, single submitter. Criteria: ACMG Guidelines, 2015. Collection method: clinical testing. Allele origin: germline.
Comment: This variant is classified as likely benign based on ACMG/AMP sequence variant interpretation guidelines (Richards et al. 2015 PMID: 25741868, with internal and published modifications).

Labcorp Genetics (formerly Invitae), Labcorp
Classification: Likely benign. Last evaluated: 2018-10-10. Review status: criteria provided, single submitter. Criteria: Invitae Variant Classification Sherloc (09022015). Collection method: clinical testing. Allele origin: germline.